The following is an entry in ClinVar:

NM_001364905.1(LRBA):c.5548G>C (p.Val1850Leu)

Gene: LRBA (LPS responsive beige-like anchor protein; minus strand). Cytogenetic location: 4q31.3.
Variant type: single nucleotide variant.
Coding change: c.5548G>C on transcript NM_001364905.1 (MANE Select); coding-DNA position 5548, G replaced by C.
Protein change: p.Val1850Leu; replaces valine 1850 with leucine.
Molecular consequence: missense variant.
Genome position (GRCh38, 1-based): chr4:150,798,113, C>G on the plus strand (G>C on the coding strand, the complement: LRBA is on the minus strand). VCF-style: chr4-150798113-C-G. GRCh37 (hg19) VCF-style: chr4-151719265-C-G.
Other names: c.5548G>C, p.Val1850Leu (NM_001199282.3, NM_001367550.1, NM_006726.5); short protein forms V1850L.
Identifiers: ClinVar variation 854199 (VCV000854199.9), dbSNP rs765993573, ClinGen allele CA358609483.

ClinVar aggregate classification (germline): Uncertain significance. Review status: criteria provided, multiple submitters, no conflicts (2 of 4 stars). 2 submissions from 2 submitters: Uncertain significance (2). Last evaluated 2025-04-30.

Conditions:
Inborn genetic diseases. Identifiers: MedGen C0950123, MeSH D030342.
Combined immunodeficiency due to LRBA deficiency. Also called: Common variable immunodeficiency 8, with autoimmunity. Identifiers: Orphanet 445018, MedGen C3553512, MONDO:0013863, OMIM 614700.

Allele frequency attached by ClinVar (database versions not stated): TOPMed 0.00004.
gnomAD v4.1: 7 of 1,609,426 alleles (0.00043%); highest among the groups gnomAD compares: Non-Finnish European, 0.00051%; no homozygotes.

Submissions (2):

Ambry Genetics
Classification: Uncertain significance for Inborn genetic diseases. Last evaluated: 2025-04-30. Review status: criteria provided, single submitter. Criteria: Ambry Variant Classification Scheme 2023. Collection method: clinical testing. Allele origin: germline.

Labcorp Genetics (formerly Invitae), Labcorp
Classification: Uncertain significance for Combined immunodeficiency due to LRBA deficiency. Last evaluated: 2024-10-16. Review status: criteria provided, single submitter. Criteria: Invitae Variant Classification Sherloc (09022015). Collection method: clinical testing. Allele origin: germline.
Comment: This sequence change replaces valine, which is neutral and non-polar, with leucine, which is neutral and non-polar, at codon 1850 of the LRBA protein (p.Val1850Leu). This variant is present in population databases (no rsID available, gnomAD 0.007%). This variant has not been reported in the literature in individuals affected with LRBA-related conditions. ClinVar contains an entry for this variant (Variation ID: 854199). Invitae Evidence Modeling of protein sequence and biophysical properties (such as structural, functional, and spatial information, amino acid conservation, physicochemical variation, residue mobility, and thermodynamic stability) indicates that this missense variant is expected to disrupt LRBA protein function with a positive predictive value of 80%. In summary, the available evidence is currently insufficient to determine the role of this variant in disease. Therefore, it has been classified as a Variant of Uncertain Significance.